The following is an entry in ClinVar:

NM_001127511.3(APC):c.165+20821G>T

Gene: APC (APC regulator of Wnt signaling pathway; plus strand). Cytogenetic location: 5q22.2.
Variant type: single nucleotide variant.
Coding change: c.165+20821G>T on transcript NM_001127511.3; 20821 bases into the intron after coding-DNA position 165, G replaced by T.
Molecular consequence: intron variant.
Genome position (GRCh38, 1-based): chr5:112,728,703, G>T. VCF-style: chr5-112728703-G-T. GRCh37 (hg19) VCF-style: chr5-112064400-G-T.
Other names: c.-19+21054G>T (NM_001407448.1, NM_001407450.1, NM_001407457.1 and 1 more transcripts); c.-43+21054G>T (NM_001407453.1); c.-1054+20821G>T (NM_001407470.1, NM_001407472.1); c.-19+20821G>T (NM_001407447.1, NM_001354895.2, NM_001407456.1 and 3 more transcripts); c.165+20821G>T (NM_001407446.1, NM_001354897.2, NM_001354902.2).
Identifiers: ClinVar variation 82296 (VCV000082296.4), dbSNP rs78535580, ClinGen allele CA023514.

ClinVar aggregate classification (germline): other (0 of 4 stars; one submission).

Conditions:
Familial colorectal cancer. Identifiers: MedGen CN280943, MONDO:0023113. Disease mechanism: loss of function.

Allele frequency attached by ClinVar (database versions not stated): gnomAD 0.00001.

Submission:

Systems Biology Platform Zhejiang California International NanoSystems Institute
Classification: other for Familial colorectal cancer. Review status: no assertion criteria provided. Collection method: not provided. Allele origin: unknown.
ClinVar note: Converted during submission from cancer to other.